The following is an entry in ClinVar:

NM_002693.3(POLG):c.1707C>A (p.His569Gln)

Gene: POLG (DNA polymerase gamma, catalytic subunit; minus strand). Cytogenetic location: 15q26.1.
Variant type: single nucleotide variant.
Coding change: c.1707C>A on transcript NM_002693.3 (MANE Select); coding-DNA position 1707, C replaced by A.
Protein change: p.His569Gln; replaces histidine 569 with glutamine.
Molecular consequence: missense variant.
Genome position (GRCh38, 1-based): chr15:89,326,617, G>T on the plus strand (C>A on the coding strand, the complement: POLG is on the minus strand). VCF-style: chr15-89326617-G-T. GRCh37 (hg19) VCF-style: chr15-89869848-G-T.
Other names: c.1707C>A, p.His569Gln (NM_001126131.2); short protein forms H569Q.
Identifiers: ClinVar variation 3721843 (VCV003721843.2).

ClinVar aggregate classification (germline): Uncertain significance (1 of 4 stars; one submission).

Conditions:
Progressive sclerosing poliodystrophy (MTDPS4A). Also called: ALPERS PROGRESSIVE INFANTILE POLIODYSTROPHY; NEURONAL DEGENERATION OF CHILDHOOD WITH LIVER DISEASE, PROGRESSIVE; Alpers Syndrome; ALPERS DIFFUSE DEGENERATION OF CEREBRAL GRAY MATTER WITH HEPATIC CIRRHOSIS; Alpers-Huttenlocher Syndrome; Mitochondrial DNA depletion syndrome 4A (Alpers type). Identifiers: Orphanet 726, MedGen C0205710, MONDO:0008758, OMIM 203700.

gnomAD v4.1: 1 of 1,613,750 alleles (0.000062%); highest among the groups gnomAD compares: South Asian, 0.0011%; no homozygotes.

Submission:

Labcorp Genetics (formerly Invitae), Labcorp
Classification: Uncertain significance for Progressive sclerosing poliodystrophy. Last evaluated: 2025-01-23. Review status: criteria provided, single submitter. Criteria: Invitae Variant Classification Sherloc (09022015). Collection method: clinical testing. Allele origin: germline.
Comment: This sequence change replaces histidine, which is basic and polar, with glutamine, which is neutral and polar, at codon 569 of the POLG protein (p.His569Gln). This variant is not present in population databases (gnomAD no frequency). This missense change has been observed in individual(s) with POLG-related conditions (PMID: 18487244). Invitae Evidence Modeling of protein sequence and biophysical properties (such as structural, functional, and spatial information, amino acid conservation, physicochemical variation, residue mobility, and thermodynamic stability) has been performed for this missense variant. However, the output from this modeling did not meet the statistical confidence thresholds required to predict the impact of this variant on POLG protein function. In summary, the available evidence is currently insufficient to determine the role of this variant in disease. Therefore, it has been classified as a Variant of Uncertain Significance.

Literature cited by the submitters: PubMed 18487244.